The following is an entry in ClinVar:

NM_020975.6(RET):c.1363G>T (p.Val455Phe)

Gene: RET (ret proto-oncogene; plus strand). Cytogenetic location: 10q11.21.
Variant type: single nucleotide variant.
Coding change: c.1363G>T on transcript NM_020975.6 (MANE Select); coding-DNA position 1363, G replaced by T.
Protein change: p.Val455Phe; replaces valine 455 with phenylalanine.
Molecular consequence: missense variant.
Genome position (GRCh38, 1-based): chr10:43,111,306, G>T. VCF-style: chr10-43111306-G-T. GRCh37 (hg19) VCF-style: chr10-43606754-G-T.
Other names: c.1234G>T, p.Val412Phe (NM_001406761.1, NM_001406762.1, NM_001406764.1 and 1 more transcripts); c.1363G>T, p.Val455Phe (NM_001406763.1, NM_001406765.1, NM_020629.2 and 6 more transcripts); c.1075G>T, p.Val359Phe (NM_001406766.1, NM_001406767.1, NM_001406770.1); c.967G>T, p.Val323Phe (NM_001406769.1, NM_001406772.1); c.601G>T, p.Val201Phe (NM_001355216.2); c.925G>T, p.Val309Phe (NM_001406771.1, NM_001406773.1); c.838G>T, p.Val280Phe (NM_001406774.1); c.637G>T, p.Val213Phe (NM_001406775.1, NM_001406776.1, NM_001406777.1 and 1 more transcripts); and 1 more; short protein forms V323F, V412F, V125F, V201F, V213F, V359F, V455F, V280F.
Identifiers: ClinVar variation 2146706 (VCV002146706.7), dbSNP rs145966037, ClinGen allele CA376549224.

ClinVar aggregate classification (germline): Uncertain significance. Review status: criteria provided, multiple submitters, no conflicts (2 of 4 stars). 3 submissions from 3 submitters: Uncertain significance (3). Last evaluated 2026-08-15.

Conditions:
Hereditary cancer-predisposing syndrome. Also called: Tumor predisposition; Hereditary Cancer Syndrome; Hereditary neoplastic syndrome; Neoplastic Syndromes, Hereditary. Identifiers: Orphanet 140162, MedGen C0027672, MeSH D009386, MONDO:0015356.
Multiple endocrine neoplasia, type 2 (MEN2). Identifiers: Orphanet 653, MedGen C4048306, MONDO:0019003. Disease mechanism: gain of function.

gnomAD v4.1: 2 of 1,614,128 alleles (0.00012%); highest among the groups gnomAD compares: Non-Finnish European, 0.00017%; no homozygotes.

Submissions (3):

Ambry Genetics
Classification: Uncertain significance for Hereditary cancer-predisposing syndrome. Last evaluated: 2026-08-15. Review status: criteria provided, single submitter. Criteria: Ambry Variant Classification Scheme 2023. Collection method: clinical testing. Allele origin: germline.
Comment: The p.V455F variant (also known as c.1363G>T), located in coding exon 7 of the RET gene, results from a G to T substitution at nucleotide position 1363. The valine at codon 455 is replaced by phenylalanine, an amino acid with highly similar properties. This amino acid position is conserved. In addition, this alteration is predicted to be tolerated by in silico analysis. Based on the available evidence, the clinical significance of this variant remains unclear.

Center for Genomic Medicine, Rigshospitalet, Copenhagen University Hospital
Classification: Uncertain significance. Last evaluated: 2025-03-04. Review status: criteria provided, single submitter. Criteria: ACMG Guidelines, 2015. Collection method: clinical testing. Allele origin: germline.

Labcorp Genetics (formerly Invitae), Labcorp
Classification: Uncertain significance for Multiple endocrine neoplasia, type 2. Last evaluated: 2022-04-11. Review status: criteria provided, single submitter. Criteria: Invitae Variant Classification Sherloc (09022015). Collection method: clinical testing. Allele origin: germline.
Comment: This variant has not been reported in the literature in individuals affected with RET-related conditions. In summary, the available evidence is currently insufficient to determine the role of this variant in disease. Therefore, it has been classified as a Variant of Uncertain Significance. Algorithms developed to predict the effect of missense changes on protein structure and function are either unavailable or do not agree on the potential impact of this missense change (SIFT: "Deleterious"; PolyPhen-2: "Benign"; Align-GVGD: "Class C0"). This variant is not present in population databases (gnomAD no frequency). This sequence change replaces valine, which is neutral and non-polar, with phenylalanine, which is neutral and non-polar, at codon 455 of the RET protein (p.Val455Phe).